The following is an entry in ClinVar:

ClinVar aggregate classification (germline): Benign/Likely benign. Review status: criteria provided, multiple submitters, no conflicts (2 of 4 stars). 4 submissions from 3 submitters: Benign (2); Likely benign (2). Last evaluated 2018-06-14.

Conditions:
Fibrochondrogenesis 1 (FBCG1). Identifiers: Orphanet 2021, MedGen C3278138, MONDO:0009226, OMIM 228520.
Stickler syndrome type 2 (STL2). Also called: STICKLER SYNDROME, TYPE II; STICKLER SYNDROME, BEADED VITREOUS TYPE; STICKLER SYNDROME, VITREOUS TYPE 2; COL11A1-Related Stickler Syndrome. Identifiers: Orphanet 828, Orphanet 90654, MedGen C1858084, MONDO:0011493, OMIM 604841.

Allele frequency attached by ClinVar (database versions not stated): 1000 Genomes Project 30x 0.01968; 1000 Genomes Project 0.01977; TOPMed 0.02075; gnomAD 0.02079 and 0.02089; gnomAD exomes 0.02260.
gnomAD v4.1: 24,453 of 1,085,072 alleles (2.3%); highest among the groups gnomAD compares: Middle Eastern, 3.8%; 370 homozygotes.

Submissions (4):

GeneDx
Classification: Likely benign. Last evaluated: 2018-06-14. Review status: criteria provided, single submitter. Criteria: GeneDx Variant Classification (06012015). Collection method: clinical testing. Allele origin: germline. Affected: yes.
Comment: This variant is considered likely benign or benign based on one or more of the following criteria: it is a conservative change, it occurs at a poorly conserved position in the protein, it is predicted to be benign by multiple in silico algorithms, and/or has population frequency not consistent with disease.

Illumina Laboratory Services, Illumina
Classification: Benign for Fibrochondrogenesis 1. Last evaluated: 2018-01-13. Review status: criteria provided, single submitter. Criteria: ICSL Variant Classification Criteria 13 December 2019. Collection method: clinical testing. Allele origin: germline.
Comment: This variant was observed in the ICSL laboratory as part of a predisposition screen in an ostensibly healthy population. It had not been previously curated by ICSL or reported in the Human Gene Mutation Database (HGMD: prior to June 1st, 2018), and was therefore a candidate for classification through an automated scoring system. Utilizing variant allele frequency, disease prevalence and penetrance estimates, and inheritance mode, an automated score was calculated to assess if this variant is too frequent to cause the disease. Based on the score and internal cut-off values, a variant classified as benign is not then subjected to further curation. The score for this variant resulted in a classification of benign for this disease.

Illumina Laboratory Services, Illumina
Classification: Benign for Stickler syndrome type 2. Last evaluated: 2018-01-13. Review status: criteria provided, single submitter. Criteria: ICSL Variant Classification Criteria 13 December 2019. Collection method: clinical testing. Allele origin: germline.
Comment: the same text as in the submission from Illumina Laboratory Services, Illumina above.

Breakthrough Genomics
Classification: Likely benign. Review status: criteria provided, single submitter. Criteria: ACMG Guidelines, 2015. Collection method: not provided. Allele origin: germline. Inheritance: Autosomal recessive inheritance. Affected: yes.

NM_001854.4(COL11A1):c.-78T>A

Gene: COL11A1 (collagen type XI alpha 1 chain; minus strand). Cytogenetic location: 1p21.1.
Variant type: single nucleotide variant.
Coding change: c.-78T>A on transcript NM_001854.4 (MANE Select); 78 bases upstream of the start codon, T replaced by A.
Molecular consequence: 5 prime UTR variant. On other transcripts: non-coding transcript variant (1).
Genome position (GRCh38, 1-based): chr1:103,108,256, A>T on the plus strand (T>A on the coding strand, the complement: COL11A1 is on the minus strand). VCF-style: chr1-103108256-A-T. GRCh37 (hg19) VCF-style: chr1-103573812-A-T.
Other names: c.-78T>A (NM_001190709.2, NM_080629.3, NM_080630.4).
Identifiers: ClinVar variation 291556 (VCV000291556.7), dbSNP rs12025921, ClinGen allele CA10607229.